The following is an entry in ClinVar:

ClinVar aggregate classification (germline): Likely pathogenic (1 of 4 stars; one submission).

Conditions:
Holoprosencephaly 9 (HPE9). Also called: HOLOPROSENCEPHALY WITH MICROPHTHALMIA AND FIRST BRANCHIAL ARCH ANOMALIES; PITUITARY ANOMALIES WITH HOLOPROSENCEPHALY-LIKE FEATURES. Identifiers: Orphanet 2162, MedGen C1835819, MONDO:0012563, OMIM 610829.

Submission:

Institute of Human Genetics, University of Leipzig Medical Center
Classification: Likely pathogenic for Holoprosencephaly 9. Last evaluated: 2024-10-01. Review status: criteria provided, single submitter. Criteria: ACMG Guidelines, 2015. Collection method: clinical testing. Allele origin: unknown. Affected: yes.
Comment: Criteria applied: PVS1_STR,PM2

NM_001374353.1(GLI2):c.31G>T (p.Glu11Ter)

Gene: GLI2 (GLI family zinc finger 2; plus strand). Cytogenetic location: 2q14.2.
Variant type: single nucleotide variant.
Coding change: c.31G>T on transcript NM_001374353.1 (MANE Select); coding-DNA position 31, G replaced by T.
Protein change: p.Glu11Ter; replaces glutamic acid 11 with a stop codon.
Molecular consequence: nonsense. On other transcripts: 5 prime UTR variant (1).
Genome position (GRCh38, 1-based): chr2:120,797,351, G>T. VCF-style: chr2-120797351-G-T. GRCh37 (hg19) VCF-style: chr2-121554927-G-T.
Other names: c.31G>T, p.Glu11Ter (NM_001371271.1, NM_005270.5); c.-239G>T (NM_001374354.1); short protein forms E11*.
Identifiers: ClinVar variation 3376156 (VCV003376156.3).